The following is an entry in ClinVar:

NM_003105.6(SORL1):c.2945G>C (p.Ser982Thr)

Gene: SORL1 (sortilin related receptor 1; plus strand). Cytogenetic location: 11q24.1.
Variant type: single nucleotide variant.
Coding change: c.2945G>C on transcript NM_003105.6 (MANE Select); coding-DNA position 2945, G replaced by C.
Protein change: p.Ser982Thr; replaces serine 982 with threonine.
Molecular consequence: missense variant.
Genome position (GRCh38, 1-based): chr11:121,559,553, G>C. VCF-style: chr11-121559553-G-C. GRCh37 (hg19) VCF-style: chr11-121430262-G-C.
Other names: short protein forms S982T.
Identifiers: ClinVar variation 3710137 (VCV003710137.2).

ClinVar aggregate classification (germline): Uncertain significance (1 of 4 stars; one submission).

gnomAD v4.1: 5 of 1,614,188 alleles (0.00031%); highest among the groups gnomAD compares: African/African-American, 0.004%; no homozygotes.

Submission:

Labcorp Genetics (formerly Invitae), Labcorp
Classification: Uncertain significance. Last evaluated: 2024-07-06. Review status: criteria provided, single submitter. Criteria: Invitae Variant Classification Sherloc (09022015). Collection method: clinical testing. Allele origin: germline.
Comment: This sequence change replaces serine, which is neutral and polar, with threonine, which is neutral and polar, at codon 982 of the SORL1 protein (p.Ser982Thr). This variant is present in population databases (rs765473526, gnomAD 0.007%). This variant has not been reported in the literature in individuals affected with SORL1-related conditions. An algorithm developed to predict the effect of missense changes on protein structure and function (PolyPhen-2) suggests that this variant is likely to be tolerated. In summary, the available evidence is currently insufficient to determine the role of this variant in disease. Therefore, it has been classified as a Variant of Uncertain Significance.